The following is an entry in ClinVar:

ClinVar aggregate classification (germline): Uncertain significance. Review status: criteria provided, single submitter (1 of 4 stars). 2 submissions from 2 submitters: Uncertain significance (1). 1 of the submissions does not count toward it. Last evaluated 2023-12-09.

Conditions:
MYH3-related disorder. Also called: MYH3-Related Disorders; MYH3-related condition. Identifiers: MedGen CN239329.

Submissions (2):

Labcorp Genetics (formerly Invitae), Labcorp
Classification: Uncertain significance. Last evaluated: 2023-12-09. Review status: criteria provided, single submitter. Criteria: Invitae Variant Classification Sherloc (09022015). Collection method: clinical testing. Allele origin: germline.
Comment: This sequence change replaces proline, which is neutral and non-polar, with leucine, which is neutral and non-polar, at codon 82 of the MYH3 protein (p.Pro82Leu). This variant is not present in population databases (gnomAD no frequency). This variant has not been reported in the literature in individuals affected with MYH3-related conditions. Advanced modeling of protein sequence and biophysical properties (such as structural, functional, and spatial information, amino acid conservation, physicochemical variation, residue mobility, and thermodynamic stability) performed at Invitae indicates that this missense variant is expected to disrupt MYH3 protein function with a positive predictive value of 95%. In summary, the available evidence is currently insufficient to determine the role of this variant in disease. Therefore, it has been classified as a Variant of Uncertain Significance.

PreventionGenetics, part of Exact Sciences
Classification: Likely pathogenic for MYH3-related condition. Last evaluated: 2024-06-18. Review status: no assertion criteria provided. Collection method: clinical testing. Allele origin: germline. Not counted in ClinVar's aggregate classification.
Comment: The MYH3 c.245C>T variant is predicted to result in the amino acid substitution p.Pro82Leu. To our knowledge, this variant has not been reported in literature or public databases. In addition, many de novo missense variants in the MYH3 gene have been reported to be pathogenic (Human Gene Mutation Database). To our knowledge, this variant has not been reported in the literature or in a large population database, indicating this variant is rare. This variant is interpreted as likely pathogenic.

NM_002470.4(MYH3):c.245C>T (p.Pro82Leu)

Gene: MYH3 (myosin heavy chain 3; minus strand). Cytogenetic location: 17p13.1.
Variant type: single nucleotide variant.
Coding change: c.245C>T on transcript NM_002470.4 (MANE Select); coding-DNA position 245, C replaced by T.
Protein change: p.Pro82Leu; replaces proline 82 with leucine.
Molecular consequence: missense variant.
Genome position (GRCh38, 1-based): chr17:10,652,523, G>A on the plus strand (C>T on the coding strand, the complement: MYH3 is on the minus strand). VCF-style: chr17-10652523-G-A. GRCh37 (hg19) VCF-style: chr17-10555840-G-A.
Other names: c.245C>T (NM_002470.3); short protein forms P82L.
Identifiers: ClinVar variation 2701772 (VCV002701772.4), dbSNP rs2508647548, ClinGen allele CA398117218.